The following is an entry in ClinVar:

NM_001367534.1(CAMK2G):c.1396C>G (p.Gln466Glu)

Gene: CAMK2G (calcium/calmodulin dependent protein kinase II gamma; minus strand). Cytogenetic location: 10q22.2.
Variant type: single nucleotide variant.
Coding change: c.1396C>G on transcript NM_001367534.1 (MANE Select); coding-DNA position 1396, C replaced by G.
Protein change: p.Gln466Glu; replaces glutamine 466 with glutamic acid.
Molecular consequence: missense variant. On other transcripts: non-coding transcript variant (8).
Genome position (GRCh38, 1-based): chr10:73,817,522, G>C on the plus strand (C>G on the coding strand, the complement: CAMK2G is on the minus strand). VCF-style: chr10-73817522-G-C. GRCh37 (hg19) VCF-style: chr10-75577280-G-C.
Other names: c.1300C>G, p.Gln434Glu (NM_172171.3); c.1144C>G, p.Gln382Glu (NM_172173.3); c.1249C>G, p.Gln417Glu (NM_001204492.2, NM_001367521.1); c.1117C>G, p.Gln373Glu (NM_001222.4, NM_001367541.1); c.1327C>G, p.Gln443Glu (NM_001320898.2, NM_001367546.1, NM_001367547.1); c.1276C>G, p.Gln426Glu (NM_001367514.1, NM_001367525.1); c.1186C>G, p.Gln396Glu (NM_001367516.1, NM_001367517.1, NM_001367529.1 and 1 more transcripts); c.1264C>G, p.Gln422Glu (NM_001367518.1, NM_001367522.1); and 19 more; short protein forms N424K, N453K, Q151E, Q204E, Q269E, Q307E, Q352E, Q361E.
Identifiers: ClinVar variation 4885589 (VCV004885589.2).

ClinVar aggregate classification (germline): Uncertain significance (1 of 4 stars; one submission).

Submission:

Dasa
Classification: Uncertain significance. Last evaluated: 2025-11-07. Review status: criteria provided, single submitter. Criteria: DASA Assertion Criteria. Collection method: clinical testing. Allele origin: germline.
Comment: NM_001367534.1(CAMK2G):c.1396C>G (p.Gln466Glu) is a missense variant that results in the substitution of glutamine with glutamic acid. This variant is absent from population databases. The currently available literature and clinical evidence are not sufficient to establish a definitive association between this variant and the reported condition. Therefore, this variant is classified as a variant of uncertain significance.